The following is an entry in ClinVar:

NC_000006.11:g.(?_129581836)_(129581987_?)del

Gene: LAMA2 (laminin subunit alpha 2; plus strand). Cytogenetic location: 6q22.33.
Variant type: Deletion.
Identifiers: ClinVar variation 2423049 (VCV002423049.5).

ClinVar aggregate classification (germline): Pathogenic (1 of 4 stars; one submission).

Conditions:
LAMA2-related muscular dystrophy (LAMA2-RD). Also called: Laminin alpha 2-related dystrophy. Identifiers: MedGen C5679788, MONDO:0100228.

Submission:

Labcorp Genetics (formerly Invitae), Labcorp
Classification: Pathogenic for LAMA2-related muscular dystrophy. Last evaluated: 2022-02-18. Review status: criteria provided, single submitter. Criteria: Invitae Variant Classification Sherloc (09022015). Collection method: clinical testing. Allele origin: germline.
Comment: For these reasons, this variant has been classified as Pathogenic. This variant has not been reported in the literature in individuals affected with LAMA2-related conditions. This variant is a gross deletion of the genomic region encompassing exon(s) 15 of the LAMA2 gene. This deletion is out-of-frame, and is expected to create a premature termination codon and result in an absent or disrupted protein product. Loss-of-function variants in LAMA2 are known to be pathogenic (PMID: 18700894, 32904964).

Literature cited by the submitters: PubMed 18700894; PubMed 32904964.